The following is an entry in ClinVar:

NM_000038.6(APC):c.307G>C (p.Val103Leu)

Gene: APC (APC regulator of Wnt signaling pathway; plus strand). Cytogenetic location: 5q22.2.
Variant type: single nucleotide variant.
Coding change: c.307G>C on transcript NM_000038.6 (MANE Select); coding-DNA position 307, G replaced by C.
Protein change: p.Val103Leu; replaces valine 103 with leucine.
Molecular consequence: missense variant. On other transcripts: 5 prime UTR variant (1).
Genome position (GRCh38, 1-based): chr5:112,767,275, G>C. VCF-style: chr5-112767275-G-C. GRCh37 (hg19) VCF-style: chr5-112102972-G-C.
Other names: c.307G>C, p.Val103Leu (NM_001127510.3, NM_001354895.2, NM_001354896.2 and 2 more transcripts); c.337G>C, p.Val113Leu (NM_001127511.3, NM_001354897.2, NM_001354902.2); c.232G>C, p.Val78Leu (NM_001354898.2, NM_001354904.2); c.130G>C, p.Val44Leu (NM_001354900.2, NM_001354901.2, NM_001354905.2); c.-729G>C (NM_001354906.2); short protein forms V103L, V113L, V44L, V78L.
Identifiers: ClinVar variation 411415 (VCV000411415.11), dbSNP rs758995578, ClinGen allele CA16021996.
Genomic context (GRCh38, chr5:112,767,275, plus strand): 5'-CCTGGAGTAAAACTGCGGTCAAAAATGTCCCTCCGTTCTTATGGAAGCCGGGAAGGATCT[G>C]TATCAAGCCGTTCTGGAGAGTGCAGTCCTGTTCCTATGGGTTCATTTCCAAGAAGAGGGT-3'
Protein context (NP_000029.2, residues 93-113): LRSYGSREGS[Val103Leu]SSRSGECSPV

ClinVar aggregate classification (germline): Uncertain significance. Review status: criteria provided, multiple submitters, no conflicts (2 of 4 stars). 2 submissions from 2 submitters: Uncertain significance (2). Last evaluated 2025-08-30.

Conditions:
Familial adenomatous polyposis 1 (FAP1). Also called: FAMILIAL ADENOMATOUS POLYPOSIS 1, ATTENUATED; POLYPOSIS, ADENOMATOUS INTESTINAL. Identifiers: MedGen C2713442, MONDO:0021056, OMIM 175100. Disease mechanism: loss of function.
Hereditary cancer-predisposing syndrome. Also called: Tumor predisposition; Hereditary Cancer Syndrome; Hereditary neoplastic syndrome; Neoplastic Syndromes, Hereditary. Identifiers: Orphanet 140162, MedGen C0027672, MeSH D009386, MONDO:0015356.

Submissions (2):

Labcorp Genetics (formerly Invitae), Labcorp
Classification: Uncertain significance for Familial adenomatous polyposis 1. Last evaluated: 2025-08-30. Review status: criteria provided, single submitter. Criteria: Invitae Variant Classification Sherloc (09022015). Collection method: clinical testing. Allele origin: germline.
Comment: This sequence change replaces valine, which is neutral and non-polar, with leucine, which is neutral and non-polar, at codon 103 of the APC protein (p.Val103Leu). This variant is not present in population databases (gnomAD no frequency). This variant has not been reported in the literature in individuals affected with APC-related conditions. ClinVar contains an entry for this variant (Variation ID: 411415). Invitae Evidence Modeling of protein sequence and biophysical properties (such as structural, functional, and spatial information, amino acid conservation, physicochemical variation, residue mobility, and thermodynamic stability) indicates that this missense variant is not expected to disrupt APC protein function with a negative predictive value of 95%. In summary, the available evidence is currently insufficient to determine the role of this variant in disease. Therefore, it has been classified as a Variant of Uncertain Significance.

Ambry Genetics
Classification: Uncertain significance for Hereditary cancer-predisposing syndrome. Last evaluated: 2024-06-04. Review status: criteria provided, single submitter. Criteria: Ambry Variant Classification Scheme 2023. Collection method: clinical testing. Allele origin: germline.
Comment: The p.V103L variant (also known as c.307G>C), located in coding exon 3 of the APC gene, results from a G to C substitution at nucleotide position 307. The valine at codon 103 is replaced by leucine, an amino acid with highly similar properties. Missense alterations in APC are not a common cause of disease (Spier I et al. Genet Med. 2024 Feb;26(2):100992). This amino acid position is well conserved in available vertebrate species. In addition, in silico predictors for this gene do not accurately predict pathogenicity. Based on the available evidence, the clinical significance of this variant remains unclear.